The following is an entry in ClinVar:

NM_001927.4(DES):c.116G>C (p.Gly39Ala)

Gene: DES (desmin; plus strand). Cytogenetic location: 2q35.
Variant type: single nucleotide variant.
Coding change: c.116G>C on transcript NM_001927.4 (MANE Select); coding-DNA position 116, G replaced by C.
Protein change: p.Gly39Ala; replaces glycine 39 with alanine.
Molecular consequence: missense variant.
Genome position (GRCh38, 1-based): chr2:219,418,578, G>C. VCF-style: chr2-219418578-G-C. GRCh37 (hg19) VCF-style: chr2-220283300-G-C.
Other names: c.116G>C, p.Gly39Ala (NM_001382708.1, NM_001382709.1, NM_001382710.1 and 3 more transcripts); short protein forms G39A.
Identifiers: ClinVar variation 3751601 (VCV003751601.2).

ClinVar aggregate classification (germline): Uncertain significance (1 of 4 stars; one submission).

Conditions:
Desmin-related myofibrillar myopathy (MFM1). Also called: MYOFIBRILLAR MYOPATHY WITH ARRHYTHMOGENIC RIGHT VENTRICULAR CARDIOMYOPATHY; DESMIN-RELATED MYOPATHY WITH ARRHYTHMOGENIC RIGHT VENTRICULAR CARDIOMYOPATHY; Desminopathy; Desmin related myopathy (former name); Desmin storage myopathy (former name); Myofibrillar myopathy 1. Identifiers: Orphanet 363543, Orphanet 98909, MedGen C1832370, MONDO:0011076, OMIM 601419.

Submission:

Labcorp Genetics (formerly Invitae), Labcorp
Classification: Uncertain significance for Desmin-related myofibrillar myopathy. Last evaluated: 2024-07-30. Review status: criteria provided, single submitter. Criteria: Invitae Variant Classification Sherloc (09022015). Collection method: clinical testing. Allele origin: germline.
Comment: This sequence change replaces glycine, which is neutral and non-polar, with alanine, which is neutral and non-polar, at codon 39 of the DES protein (p.Gly39Ala). This variant is not present in population databases (gnomAD no frequency). This variant has not been reported in the literature in individuals affected with DES-related conditions. An algorithm developed to predict the effect of missense changes on protein structure and function outputs the following: PolyPhen-2: "Not Available". The alanine amino acid residue is found in multiple mammalian species, which suggests that this missense change does not adversely affect protein function. In summary, the available evidence is currently insufficient to determine the role of this variant in disease. Therefore, it has been classified as a Variant of Uncertain Significance.